The following is an entry in ClinVar:

ClinVar aggregate classification (germline): Pathogenic. Review status: criteria provided, multiple submitters, no conflicts (2 of 4 stars). 7 submissions from 7 submitters: Pathogenic (7). Last evaluated 2026-03-05.

Conditions:
COL7A1-related disorder. Also called: COL7A1-related condition; COL7A1- related disorders.
Recessive dystrophic epidermolysis bullosa (RDEB). Also called: Recessive DEB (RDEB); DYSTROPHIC EPIDERMOLYSIS BULLOSA, AUTOSOMAL RECESSIVE; EPIDERMOLYSIS BULLOSA DYSTROPHICA, HALLOPEAU-SIEMENS TYPE; severe generalized recessive dystrophic epidermolysis bullosa; EPIDERMOLYSIS BULLOSA DYSTROPHICA, GENERALIZED SEVERE, AUTOSOMAL RECESSIVE; Epidermolysis Bullosa Distrophica Autosomal Recessive (RDEB). Identifiers: Orphanet 79408, Orphanet 79409, MedGen C0079474, MONDO:0009179, OMIM 226600.
Epidermolysis bullosa dystrophica. Also called: Dystrophic epidermolysis bullosa, Hallopeau-Siemens type (formerly); Dystrophic epidermolysis bullosa. Identifiers: Orphanet 303, MedGen C0079294, MONDO:0006543.

Allele frequency attached by ClinVar (database versions not stated): gnomAD exomes below 0.00001; TOPMed below 0.00001; gnomAD 0.00001.
gnomAD v4.1: 2 of 1,613,842 alleles (0.00012%); highest among the groups gnomAD compares: Admixed American, 0.0017%; no homozygotes.

Submissions (7):

Myriad Genetics, Inc.
Classification: Pathogenic for Recessive dystrophic epidermolysis bullosa. Last evaluated: 2026-03-05. Review status: criteria provided, single submitter. Criteria: Myriad Autosomal Dominant, Autosomal Recessive and X-Linked Classification Criteria (2023). Collection method: clinical testing. Allele origin: unknown.
Comment: NM_000094.3(COL7A1):c.7380+2T>C is a variant in a canonical splice site classified as pathogenic in the context of dystrophic epidermolysis bullosa. c.7380+2T>C has been observed in cases with relevant disease (PMID: 35979658, 31001817, 20184583). Relevant functional assessments of this variant are not available in the literature. c.7380+2T>C has not been observed in referenced population frequency databases. In summary, NM_000094.3(COL7A1):c.7380+2T>C is a variant in a canonical splice site that has been observed more frequently in cases with the relevant disease than in healthy populations. Please note: this variant was assessed in the context of healthy population screening.

Natera, Inc.
Classification: Pathogenic for Dystrophic epidermolysis bullosa. Last evaluated: 2025-09-30. Review status: criteria provided, single submitter. Criteria: Natera Variant Classification Schema (03/2026). Collection method: clinical testing. Allele origin: germline.
Comment: The c.7380+2T>C variant in COL7A1 is a canonical splice donor site variant predicted to affect pre-mRNA splicing, which may result in an abnormal transcript and altered protein product. This variant may result in a truncated or dysfunctional protein product. This variant is rare in the general population with a frequency below the threshold expected for the associated phenotype(s). This variant has been observed in one or more individuals affected with the associated recessive disease, as either homozygous or compound heterozygous with a second variant (PMID: 31001817, 20184583, 35979658). Given the available evidence, this variant is classified as Pathogenic.

Labcorp Genetics (formerly Invitae), Labcorp
Classification: Pathogenic. Last evaluated: 2025-09-29. Review status: criteria provided, single submitter. Criteria: Invitae Variant Classification Sherloc (09022015). Collection method: clinical testing. Allele origin: germline.
Comment: This sequence change affects a donor splice site in intron 96 of the COL7A1 gene. It is expected to disrupt splicing. Variants that disrupt the donor or acceptor splice site typically lead to a loss of protein function (PMID: 16199547), and loss-of-function variants in COL7A1 are known to be disease-causing for autosomal recessive dystrophic epidermolysis bullosa (PMID: 16971478). However, certain variants affecting donor or acceptor splice sites in the triple helical domain of COL7A1 are expected to result in in-frame exon skipping and have been reported to cause autosomal dominant dystrophic epidermolysis bullosa (PMID: 31670143). This variant is not present in population databases (gnomAD no frequency). Disruption of this splice site has been observed in individual(s) with autosomal recessive dystrophic epidermolysis bullosa (PMID: 20184583, 31001817). ClinVar contains an entry for this variant (Variation ID: 1048049). Algorithms developed to predict the effect of sequence changes on RNA splicing suggest that this variant may disrupt the consensus splice site. For these reasons, this variant has been classified as Pathogenic.

PreventionGenetics, part of Exact Sciences
Classification: Pathogenic for COL7A1-related condition. Last evaluated: 2025-03-10. Review status: criteria provided, single submitter. Criteria: ACMG Guidelines, 2015. Collection method: clinical testing. Allele origin: germline.
Comment: The COL7A1 c.7380+2T>C variant is predicted to disrupt the GT donor site and interfere with normal splicing. This variant has been reported in the homozygous and compound heterozygous states in individuals with autosomal recessive dystrophic epidermolysis bullosa (see, for example, Escámez et al. 2010. PubMed ID: 20184583; Table S1, Kelmann et al. 2024. PubMed ID: 38368142; Table S2, Natale et al. 2022. PubMed ID: 35979658). This variant has not been reported in a large population database (gnomAD), indicating it is rare. Variants that disrupt the consensus splice donor site in COL7A1 are expected to be pathogenic. This variant is interpreted as pathogenic.

Laboratorio de Genetica e Diagnostico Molecular, Hospital Israelita Albert Einstein
Classification: Pathogenic for Recessive dystrophic epidermolysis bullosa. Last evaluated: 2022-03-26. Review status: criteria provided, single submitter. Criteria: ACMG Guidelines, 2015. Collection method: clinical testing. Allele origin: germline. Affected: yes. Observed: 1 variant allele.
Comment: ACMG classification criteria: PVS1 very strong, PS4 supporting, PM2

Center for Research in Genodermatoses and Epidermolysis Bullosa, University of Buenos Aires
Classification: Pathogenic for Recessive dystrophic epidermolysis bullosa. Last evaluated: 2022-03-14. Review status: criteria provided, single submitter. Criteria: ACMG Guidelines, 2015. Collection method: clinical testing. Allele origin: germline. Affected: yes. Observed: 18 variant alleles, 13 compound heterozygotes, 5 homozygotes.

Biomedical Innovation Departament, CIEMAT
Classification: Pathogenic for Dystrophic epidermolysis bullosa. Last evaluated: 2009-05-04. Review status: criteria provided, single submitter. Criteria: ACMG Guidelines, 2015. Collection method: research. Allele origin: germline. Affected: yes. Observed: 3 variant alleles.

Literature cited by the submitters: PubMed 20184583 (cited by 4 submitters); PubMed 31001817 (cited by 3 submitters); PubMed 35979658 (cited by 3 submitters); PubMed 16199547 (cited by Labcorp Genetics (formerly Invitae), Labcorp); PubMed 16971478 (cited by Labcorp Genetics (formerly Invitae), Labcorp); PubMed 31670143 (cited by Labcorp Genetics (formerly Invitae), Labcorp); PubMed 19694003 (cited by Biomedical Innovation Departament, CIEMAT).

NM_000094.4(COL7A1):c.7380+2T>C

Gene: COL7A1 (collagen type VII alpha 1 chain; minus strand). Cytogenetic location: 3p21.31.
Variant type: single nucleotide variant.
Coding change: c.7380+2T>C on transcript NM_000094.4 (MANE Select); the canonical splice donor site of the intron after coding-DNA position 7380, T replaced by C.
Molecular consequence: splice donor variant.
Genome position (GRCh38, 1-based): chr3:48,570,463, A>G on the plus strand (T>C on the coding strand, the complement: COL7A1 is on the minus strand). VCF-style: chr3-48570463-A-G. GRCh37 (hg19) VCF-style: chr3-48607896-A-G.
Other names: c.7380+2T>C (NM_000094.3).
Identifiers: ClinVar variation 1048049 (VCV001048049.27), dbSNP rs1249145909, ClinGen allele CA352646742.
Genomic context (GRCh38, chr3:48,570,463, plus strand): 5'-AGTGGAGGCTGAAGGGGGTGACCAGGGCACAAGAGAGAGTCAGCAGCACTTGTCCCACCT[A>G]CCTTGTCTCCTTTGAGTCCAGAGGCCCCAGGTGGTCCCTGTAGGTCAGAGTGAGGTGAGG-3'